The following is an entry in ClinVar:

ClinVar aggregate classification (germline): Benign (1 of 4 stars; one submission).

Conditions:
Neurofibromatosis, type 1 (NF1). Also called: VON RECKLINGHAUSEN DISEASE; NEUROFIBROMATOSIS, TYPE I, SOMATIC; Peripheral type neurofibromatosis; Neurofibromatosis, type I. Identifiers: Orphanet 636, MedGen C0027831, MONDO:0018975, OMIM 162200. Disease mechanism: loss of function.

gnomAD v4.1: 3 of 1,598,538 alleles (0.00019%); highest among the groups gnomAD compares: Non-Finnish European, 0.00026%; no homozygotes.

Submission:

Myriad Genetics, Inc.
Classification: Benign for Neurofibromatosis, type 1. Last evaluated: 2026-05-21. Review status: criteria provided, single submitter. Criteria: Myriad Autosomal Dominant, Autosomal Recessive and X-Linked Classification Criteria (2023). Collection method: clinical testing. Allele origin: unknown.
Comment: This variant is considered benign. This variant is intronic and is not expected to impact mRNA splicing.

NM_001042492.3(NF1):c.6642+28A>G

Gene: NF1 (neurofibromin 1; plus strand). Cytogenetic location: 17q11.2.
Variant type: single nucleotide variant.
Coding change: c.6642+28A>G on transcript NM_001042492.3 (MANE Select); 28 bases into the intron after coding-DNA position 6642, A replaced by G.
Molecular consequence: intron variant.
Genome position (GRCh38, 1-based): chr17:31,337,610, A>G. VCF-style: chr17-31337610-A-G. GRCh37 (hg19) VCF-style: chr17-29664628-A-G.
Other names: c.6579+28A>G (NM_000267.4).
Identifiers: ClinVar variation 4876116 (VCV004876116.1).